The following is an entry in ClinVar:

NM_000368.5(TSC1):c.1381G>A (p.Gly461Arg)

Gene: TSC1 (TSC complex subunit 1; minus strand). Cytogenetic location: 9q34.13.
Variant type: single nucleotide variant.
Coding change: c.1381G>A on transcript NM_000368.5 (MANE Select); coding-DNA position 1381, G replaced by A.
Protein change: p.Gly461Arg; replaces glycine 461 with arginine.
Molecular consequence: missense variant.
Genome position (GRCh38, 1-based): chr9:132,906,788, C>T on the plus strand (G>A on the coding strand, the complement: TSC1 is on the minus strand). VCF-style: chr9-132906788-C-T. GRCh37 (hg19) VCF-style: chr9-135782175-C-T.
Other names: c.1378G>A, p.Gly460Arg (NM_001162426.2, NM_001406597.1, NM_001406598.1 and 6 more transcripts); c.1228G>A, p.Gly410Arg (NM_001162427.2, NM_001406610.1); c.1018G>A, p.Gly340Arg (NM_001362177.2, NM_001406614.1, NM_001406615.1 and 5 more transcripts); c.1381G>A, p.Gly461Arg (NM_001406592.1, NM_001406593.1, NM_001406594.1 and 7 more transcripts); c.1225G>A, p.Gly409Arg (NM_001406611.1, NM_001406612.1, NM_001406613.1); c.328G>A, p.Gly110Arg (NM_001406630.1, NM_001406629.1); c.1015G>A, p.Gly339Arg (NM_001406620.1, NM_001406621.1, NM_001406622.1 and 2 more transcripts); c.430G>A, p.Gly144Arg (NM_001406626.1); and 1 more; short protein forms G410R, G143R, G144R, G339R, G409R, G460R, G110R, G340R.
Identifiers: ClinVar variation 2103121 (VCV002103121.5), dbSNP rs2131865445, ClinGen allele CA375365966.

ClinVar aggregate classification (germline): Uncertain significance. Review status: criteria provided, multiple submitters, no conflicts (2 of 4 stars). 2 submissions from 2 submitters: Uncertain significance (2). Last evaluated 2025-05-07.

Conditions:
Tuberous sclerosis 1 (TSC1). Identifiers: Orphanet 805, MedGen C1854465, MONDO:0008612, OMIM 191100.
Hereditary cancer-predisposing syndrome. Also called: Hereditary Cancer Syndrome; Tumor predisposition; Neoplastic Syndromes, Hereditary; Hereditary neoplastic syndrome. Identifiers: Orphanet 140162, MedGen C0027672, MeSH D009386, MONDO:0015356.

Allele frequency attached by ClinVar (database versions not stated): gnomAD exomes below 0.00001.

Submissions (2):

Labcorp Genetics (formerly Invitae), Labcorp
Classification: Uncertain significance for Tuberous sclerosis 1. Last evaluated: 2025-05-07. Review status: criteria provided, single submitter. Criteria: Invitae Variant Classification Sherloc (09022015). Collection method: clinical testing. Allele origin: germline.
Comment: This sequence change replaces glycine, which is neutral and non-polar, with arginine, which is basic and polar, at codon 461 of the TSC1 protein (p.Gly461Arg). This variant is not present in population databases (gnomAD no frequency). This variant has not been reported in the literature in individuals affected with TSC1-related conditions. ClinVar contains an entry for this variant (Variation ID: 2103121). Invitae Evidence Modeling of protein sequence and biophysical properties (such as structural, functional, and spatial information, amino acid conservation, physicochemical variation, residue mobility, and thermodynamic stability) indicates that this missense variant is not expected to disrupt TSC1 protein function with a negative predictive value of 95%. In summary, the available evidence is currently insufficient to determine the role of this variant in disease. Therefore, it has been classified as a Variant of Uncertain Significance.

Ambry Genetics
Classification: Uncertain significance for Hereditary cancer-predisposing syndrome. Last evaluated: 2023-12-31. Review status: criteria provided, single submitter. Criteria: Ambry Variant Classification Scheme 2023. Collection method: clinical testing. Allele origin: germline.
Comment: The p.G461R variant (also known as c.1381G>A), located in coding exon 12 of the TSC1 gene, results from a G to A substitution at nucleotide position 1381. The glycine at codon 461 is replaced by arginine, an amino acid with dissimilar properties. This amino acid position is conserved. In addition, this alteration is predicted to be tolerated by in silico analysis. Since supporting evidence is limited at this time, the clinical significance of this alteration remains unclear.